The following is an entry in ClinVar:

NM_001876.4(CPT1A):c.1163+4C>T

Gene: CPT1A (carnitine palmitoyltransferase 1A; minus strand). Cytogenetic location: 11q13.3.
Variant type: single nucleotide variant.
Coding change: c.1163+4C>T on transcript NM_001876.4 (MANE Select); 4 bases into the intron after coding-DNA position 1163, C replaced by T.
Molecular consequence: intron variant.
Genome position (GRCh38, 1-based): chr11:68,784,811, G>A on the plus strand (C>T on the coding strand, the complement: CPT1A is on the minus strand). VCF-style: chr11-68784811-G-A. GRCh37 (hg19) VCF-style: chr11-68552279-G-A.
Other names: c.1163+4C>T (NM_001031847.3).
Identifiers: ClinVar variation 2141594 (VCV002141594.1), dbSNP rs144919492, ClinGen allele CA6152402.

ClinVar aggregate classification (germline): Uncertain significance (1 of 4 stars; one submission).

Conditions:
Carnitine palmitoyl transferase 1A deficiency. Also called: CPT I DEFICIENCY; CPT DEFICIENCY, HEPATIC, TYPE I; CPT deficiency, hepatic, type IA; Carnitine palmitoyltransferase 1A deficiency; Carnitine palmitoyltransferase type I deficiency. Identifiers: Orphanet 156, MedGen C1829703, MONDO:0009705, OMIM 255120.

Allele frequency attached by ClinVar (database versions not stated): gnomAD exomes 0.00003; ExAC 0.00006; TOPMed 0.00007; ESP Exome Variant Server 0.00008; gnomAD 0.00008; 1000 Genomes Project 30x 0.00016; 1000 Genomes Project 0.00020.
gnomAD v4.1: 56 of 1,607,294 alleles (0.0035%); highest among the groups gnomAD compares: African/African-American, 0.016%; no homozygotes.

Submission:

Labcorp Genetics (formerly Invitae), Labcorp
Classification: Uncertain significance for Carnitine palmitoyl transferase 1A deficiency. Last evaluated: 2022-09-01. Review status: criteria provided, single submitter. Criteria: Invitae Variant Classification Sherloc (09022015). Collection method: clinical testing. Allele origin: germline.
Comment: This sequence change falls in intron 10 of the CPT1A gene. It does not directly change the encoded amino acid sequence of the CPT1A protein. It affects a nucleotide within the consensus splice site. The frequency data for this variant in the population databases is considered unreliable, as metrics indicate poor data quality at this position in the gnomAD database. This variant has not been reported in the literature in individuals affected with CPT1A-related conditions. Variants that disrupt the consensus splice site are a relatively common cause of aberrant splicing (PMID: 17576681, 9536098). Algorithms developed to predict the effect of sequence changes on RNA splicing suggest that this variant is not likely to affect RNA splicing. In summary, the available evidence is currently insufficient to determine the role of this variant in disease. Therefore, it has been classified as a Variant of Uncertain Significance.

Literature cited by the submitters: PubMed 17576681; PubMed 9536098.